The following is an entry in ClinVar:

ClinVar aggregate classification (germline): Benign (1 of 4 stars; one submission).

Conditions:
Exudative vitreoretinopathy 1 (EVR1). Also called: CRISWICK-SCHEPENS SYNDROME; FEVR, AUTOSOMAL DOMINANT; Familial exudative vitreoretinopathy, autosomal dominant. Identifiers: Orphanet 891, Orphanet 90050, MedGen C1851402, MONDO:0007589, OMIM 133780.

Allele frequency attached by ClinVar (database versions not stated): 1000 Genomes Project 0.00040; 1000 Genomes Project 30x 0.00094; gnomAD 0.00146 and 0.00168; TOPMed 0.00160.

Submission:

Illumina Laboratory Services, Illumina
Classification: Benign for Exudative vitreoretinopathy 1. Last evaluated: 2018-01-13. Review status: criteria provided, single submitter. Criteria: ICSL Variant Classification Criteria 13 December 2019. Collection method: clinical testing. Allele origin: germline.
Comment: This variant was observed in the ICSL laboratory as part of a predisposition screen in an ostensibly healthy population. It had not been previously curated by ICSL or reported in the Human Gene Mutation Database (HGMD: prior to June 1st, 2018), and was therefore a candidate for classification through an automated scoring system. Utilizing variant allele frequency, disease prevalence and penetrance estimates, and inheritance mode, an automated score was calculated to assess if this variant is too frequent to cause the disease. Based on the score and internal cut-off values, a variant classified as benign is not then subjected to further curation. The score for this variant resulted in a classification of benign for this disease.

NM_012193.4(FZD4):c.-262C>T

Genes: FZD4 (frizzled class receptor 4; minus strand), LOC130006562 (ATAC-STARR-seq lymphoblastoid silent region 3829; plus strand). Cytogenetic location: 11q14.2.
Variant type: single nucleotide variant.
Coding change: c.-262C>T on transcript NM_012193.4 (MANE Select); 262 bases upstream of the start codon, C replaced by T.
Molecular consequence: 5 prime UTR variant.
Genome position (GRCh38, 1-based): chr11:86,955,347, G>A on the plus strand (C>T on the coding strand, the complement: FZD4 is on the minus strand). VCF-style: chr11-86955347-G-A. GRCh37 (hg19) VCF-style: chr11-86666389-G-A.
Identifiers: ClinVar variation 306414 (VCV000306414.5), dbSNP rs568903306, ClinGen allele CA10631706.